The following is an entry in ClinVar:

NM_000038.6(APC):c.2993G>A (p.Gly998Asp)

Gene: APC (APC regulator of Wnt signaling pathway; plus strand). Cytogenetic location: 5q22.2.
Variant type: single nucleotide variant.
Coding change: c.2993G>A on transcript NM_000038.6 (MANE Select); coding-DNA position 2993, G replaced by A.
Protein change: p.Gly998Asp; replaces glycine 998 with aspartic acid.
Molecular consequence: missense variant. On other transcripts: non-coding transcript variant (2).
Genome position (GRCh38, 1-based): chr5:112,838,587, G>A. VCF-style: chr5-112838587-G-A. GRCh37 (hg19) VCF-style: chr5-112174284-G-A.
Other names: c.2993G>A, p.Gly998Asp (NM_001127510.3, NM_001354895.2, NM_001407450.1); c.2939G>A, p.Gly980Asp (NM_001127511.3); c.3047G>A, p.Gly1016Asp (NM_001354896.2, NM_001407447.1, NM_001407448.1 and 1 more transcripts); c.3023G>A, p.Gly1008Asp (NM_001354897.2); c.2918G>A, p.Gly973Asp (NM_001354898.2); c.2909G>A, p.Gly970Asp (NM_001354899.2); c.2870G>A, p.Gly957Asp (NM_001354900.2); c.2816G>A, p.Gly939Asp (NM_001354901.2, NM_001407453.1); and 11 more; short protein forms G1026D, G1016D, G715D, G838D, G872D, G915D, G1008D, G869D.
Identifiers: ClinVar variation 2567001 (VCV002567001.2), dbSNP rs759579036, ClinGen allele CA16027881.

ClinVar aggregate classification (germline): Uncertain significance (1 of 4 stars; one submission).

Conditions:
Hereditary cancer-predisposing syndrome. Also called: Hereditary neoplastic syndrome; Hereditary Cancer Syndrome; Neoplastic Syndromes, Hereditary; Tumor predisposition. Identifiers: Orphanet 140162, MedGen C0027672, MeSH D009386, MONDO:0015356.

Submission:

Ambry Genetics
Classification: Uncertain significance for Hereditary cancer-predisposing syndrome. Last evaluated: 2023-05-05. Review status: criteria provided, single submitter. Criteria: Ambry Variant Classification Scheme 2023. Collection method: clinical testing. Allele origin: germline.
Comment: The p.G998D variant (also known as c.2993G>A), located in coding exon 15 of the APC gene, results from a G to A substitution at nucleotide position 2993. The glycine at codon 998 is replaced by aspartic acid, an amino acid with similar properties. This amino acid position is conserved. In addition, in silico predictors for this gene do not accurately predict pathogenicity. Since supporting evidence is limited at this time, the clinical significance of this alteration remains unclear.